The following is an entry in ClinVar:

ClinVar aggregate classification (germline): Likely benign. Review status: reviewed by expert panel (3 of 4 stars). 4 submissions from 4 submitters: Likely benign (1). 3 of the submissions do not count toward it. Last evaluated 2017-05-09.

Conditions:
Cardiovascular phenotype. Identifiers: MedGen CN230736.
RASopathy. Also called: rasopathies; Noonan spectrum disorder. Identifiers: Orphanet 536391, MedGen C5555857, MONDO:0021060.

Allele frequency attached by ClinVar (database versions not stated): gnomAD 0.00001 and 0.00003; ExAC 0.00007; TOPMed 0.00005; gnomAD exomes 0.00009 and 0.00001; 1000 Genomes Project 0.00020; 1000 Genomes Project 30x 0.00031.
gnomAD v4.1: 23 of 1,614,112 alleles (0.0014%); highest among the groups gnomAD compares: East Asian, 0.042%; no homozygotes.

Submissions (4):

ClinGen RASopathy Variant Curation Expert Panel
Classification: Likely benign for Noonan syndrome and Noonan-related syndrome. Last evaluated: 2017-05-09. Review status: reviewed by expert panel. Criteria: ClinGen RASopathy ACMG Specifications v1. Collection method: curation. Allele origin: germline. Inheritance: Autosomal dominant inheritance.
Comment: The filtering allele frequency of the c.1098T>C (p.Ala366=) variant in the MAP2K1 gene is 0.0459% (8/8654) of East Asian chromosomes by the Exome Aggregation Consortium, which is a high enough frequency to be classified as likely benign based on thresholds defined by the ClinGen RASopathy Expert Panel (BS1; PMID:29493581)

Labcorp Genetics (formerly Invitae), Labcorp
Classification: Benign for RASopathy. Last evaluated: 2025-12-03. Review status: criteria provided, single submitter. Criteria: Invitae Variant Classification Sherloc (09022015). Collection method: clinical testing. Allele origin: germline. Not counted in ClinVar's aggregate classification.

Blueprint Genetics
Classification: Likely benign. Last evaluated: 2023-08-17. Review status: criteria provided, single submitter. Criteria: ACMG Guidelines, 2015. Collection method: clinical testing. Allele origin: germline. Not counted in ClinVar's aggregate classification.

Ambry Genetics
Classification: Likely benign for Cardiovascular phenotype. Last evaluated: 2022-08-16. Review status: criteria provided, single submitter. Criteria: Ambry Variant Classification Scheme 2023. Collection method: clinical testing. Allele origin: germline. Not counted in ClinVar's aggregate classification.

NM_002755.4(MAP2K1):c.1098T>C (p.Ala366=)

Genes: MAP2K1 (mitogen-activated protein kinase kinase 1; plus strand), SNAPC5 (small nuclear RNA activating complex polypeptide 5; minus strand). Cytogenetic location: 15q22.31.
Variant type: single nucleotide variant.
Coding change: c.1098T>C on transcript NM_002755.4 (MANE Select); coding-DNA position 1098, T replaced by C.
Protein change: p.Ala366=; no amino-acid change (alanine 366 retained).
Molecular consequence: synonymous variant. On other transcripts: 3 prime UTR variant (1), non-coding transcript variant (1).
Genome position (GRCh38, 1-based): chr15:66,490,531, T>C. VCF-style: chr15-66490531-T-C. GRCh37 (hg19) VCF-style: chr15-66782869-T-C.
Other names: NM_002755.3(MAP2K1):c.1098T>C; c.*208A>G (NM_006049.4); c.954T>C, p.Ala318= (NM_001411065.1).
Identifiers: ClinVar variation 448949 (VCV000448949.16), dbSNP rs200293968, ClinGen allele CA7624163.